The following is an entry in ClinVar:

ClinVar aggregate classification (germline): Uncertain significance (1 of 4 stars; one submission).

Submission:

Labcorp Genetics (formerly Invitae), Labcorp
Classification: Uncertain significance. Last evaluated: 2020-02-22. Review status: criteria provided, single submitter. Criteria: Invitae Variant Classification Sherloc (09022015). Collection method: clinical testing. Allele origin: germline.
Comment: This sequence change replaces glycine with valine at codon 956 of the SCN3A protein (p.Gly956Val). The glycine residue is highly conserved and there is a moderate physicochemical difference between glycine and valine. This variant is not present in population databases (ExAC no frequency). This variant has not been reported in the literature in individuals with SCN3A-related disease. Algorithms developed to predict the effect of missense changes on protein structure and function do not agree on the potential impact of this missense change (SIFT: "Deleterious"; PolyPhen-2: "Probably Damaging"; Align-GVGD: "Class C15"). In summary, the available evidence is currently insufficient to determine the role of this variant in disease. Therefore, it has been classified as a Variant of Uncertain Significance.

NM_006922.4(SCN3A):c.2867G>T (p.Gly956Val)

Gene: SCN3A (sodium voltage-gated channel alpha subunit 3; minus strand). Cytogenetic location: 2q24.3.
Variant type: single nucleotide variant.
Coding change: c.2867G>T on transcript NM_006922.4 (MANE Select); coding-DNA position 2867, G replaced by T.
Protein change: p.Gly956Val; replaces glycine 956 with valine.
Molecular consequence: missense variant.
Genome position (GRCh38, 1-based): chr2:165,129,995, C>A on the plus strand (G>T on the coding strand, the complement: SCN3A is on the minus strand). VCF-style: chr2-165129995-C-A. GRCh37 (hg19) VCF-style: chr2-165986505-C-A.
Other names: c.2720G>T, p.Gly907Val (NM_001081676.2, NM_001081677.2); short protein forms G907V, G956V.
Identifiers: ClinVar variation 1007048 (VCV001007048.8), dbSNP rs1315184093, ClinGen allele CA349042334.
Genomic context (GRCh38, chr2:165,129,995, plus strand): 5'-CATACCACAAGGTTTCCAATGACCATGACCAACATGAAAACAATAAGGCACATGGTTTGG[C>A]CAGCGACCTCCATACAGTCCCACATGGTCTCTATCCACTCTCCACACAGCACGCGGAACA-3'
Protein context (NP_008853.3, residues 946-966): ETMWDCMEVA[Gly956Val]QTMCLIVFML